The following is an entry in ClinVar:

ClinVar aggregate classification (germline): Uncertain significance (1 of 4 stars; one submission).

Submission:

GeneDx
Classification: Uncertain significance. Last evaluated: 2025-05-09. Review status: criteria provided, single submitter. Criteria: GeneDx Variant Classification Process June 2021. Collection method: clinical testing. Allele origin: germline.
Comment: Not observed at significant frequency in large population cohorts (gnomAD); In silico analysis supports that this missense variant has a deleterious effect on protein structure/function; Has not been previously published as pathogenic or benign to our knowledge

NM_001256071.3(RNF213):c.15118G>A (p.Gly5040Arg)

Genes: RNF213 (ring finger protein 213; plus strand), RNF213-AS1 (RNF213 antisense RNA 1; minus strand). Cytogenetic location: 17q25.3.
Variant type: single nucleotide variant.
Coding change: c.15118G>A on transcript NM_001256071.3 (MANE Select); coding-DNA position 15118, G replaced by A.
Protein change: p.Gly5040Arg; replaces glycine 5040 with arginine.
Molecular consequence: missense variant.
Genome position (GRCh38, 1-based): chr17:80,389,290, G>A. VCF-style: chr17-80389290-G-A. GRCh37 (hg19) VCF-style: chr17-78363090-G-A.
Other names: c.15265G>A, p.Gly5089Arg (NM_001410195.1, NM_020914.5); short protein forms G5040R, G5089R.
Identifiers: ClinVar variation 3369377 (VCV003369377.2).